The following is an entry in ClinVar:

ClinVar aggregate classification (germline): Uncertain significance (1 of 4 stars; one submission).

Conditions:
Inborn genetic diseases. Identifiers: MedGen C0950123, MeSH D030342.

gnomAD v4.1: 1 of 1,613,736 alleles (0.000062%); highest among the groups gnomAD compares: Middle Eastern, 0.016%; no homozygotes.

Submission:

Ambry Genetics
Classification: Uncertain significance for Inborn genetic diseases. Last evaluated: 2025-02-08. Review status: criteria provided, single submitter. Criteria: Ambry Variant Classification Scheme 2023. Collection method: clinical testing. Allele origin: germline.
Comment: The p.G662C variant (also known as c.1984G>T), located in coding exon 1 of the SAMD9 gene, results from a G to T substitution at nucleotide position 1984. The glycine at codon 662 is replaced by cysteine, an amino acid with highly dissimilar properties. This amino acid position is conserved. In addition, this alteration is predicted to be tolerated by in silico analysis. Based on the available evidence, the clinical significance of this variant remains unclear.

NM_017654.4(SAMD9):c.1984G>T (p.Gly662Cys)

Gene: SAMD9 (sterile alpha motif domain containing 9; minus strand). Cytogenetic location: 7q21.2.
Variant type: single nucleotide variant.
Coding change: c.1984G>T on transcript NM_017654.4 (MANE Select); coding-DNA position 1984, G replaced by T.
Protein change: p.Gly662Cys; replaces glycine 662 with cysteine.
Molecular consequence: missense variant.
Genome position (GRCh38, 1-based): chr7:93,104,114, C>A on the plus strand (G>T on the coding strand, the complement: SAMD9 is on the minus strand). VCF-style: chr7-93104114-C-A. GRCh37 (hg19) VCF-style: chr7-92733427-C-A.
Other names: c.1984G>T, p.Gly662Cys (NM_001193307.2); short protein forms G662C.
Identifiers: ClinVar variation 3792065 (VCV003792065.1).